The following is an entry in ClinVar:

NM_020738.4(KIDINS220):c.4229C>A (p.Ser1410Tyr)

Gene: KIDINS220 (kinase D interacting substrate 220; minus strand). Cytogenetic location: 2p25.1.
Variant type: single nucleotide variant.
Coding change: c.4229C>A on transcript NM_020738.4 (MANE Select); coding-DNA position 4229, C replaced by A.
Protein change: p.Ser1410Tyr; replaces serine 1410 with tyrosine.
Molecular consequence: missense variant. On other transcripts: intron variant (6).
Genome position (GRCh38, 1-based): chr2:8,731,807, G>T on the plus strand (C>A on the coding strand, the complement: KIDINS220 is on the minus strand). VCF-style: chr2-8731807-G-T. GRCh37 (hg19) VCF-style: chr2-8871937-G-T.
Other names: c.4232C>A, p.Ser1411Tyr (NM_001348729.2); c.4175C>A, p.Ser1392Tyr (NM_001348731.2); c.4172C>A, p.Ser1391Tyr (NM_001348732.2); c.4061C>A, p.Ser1354Tyr (NM_001348734.2); c.4058C>A, p.Ser1353Tyr (NM_001348735.2); c.3932C>A, p.Ser1311Tyr (NM_001348736.2); c.3882+1637C>A (NM_001348741.2, NM_001348742.2, NM_001348743.2); c.3996+1637C>A (NM_001348738.2); and 1 more; short protein forms S1353Y, S1311Y, S1392Y, S1391Y, S1410Y, S1411Y, S1354Y.
Identifiers: ClinVar variation 4708184 (VCV004708184.1).

ClinVar aggregate classification (germline): Uncertain significance (1 of 4 stars; one submission).

Submission:

Labcorp Genetics (formerly Invitae), Labcorp
Classification: Uncertain significance. Last evaluated: 2025-11-22. Review status: criteria provided, single submitter. Criteria: Invitae Variant Classification Sherloc (09022015). Collection method: clinical testing. Allele origin: germline.
Comment: This sequence change replaces serine, which is neutral and polar, with tyrosine, which is neutral and polar, at codon 1410 of the KIDINS220 protein (p.Ser1410Tyr). This variant is not present in population databases (gnomAD no frequency). This variant has not been reported in the literature in individuals affected with KIDINS220-related conditions. An algorithm developed to predict the effect of missense changes on protein structure and function (PolyPhen-2) suggests that this variant is likely to be disruptive. In summary, the available evidence is currently insufficient to determine the role of this variant in disease. Therefore, it has been classified as a Variant of Uncertain Significance.